The following is an entry in ClinVar:

ClinVar aggregate classification (germline): Uncertain significance (1 of 4 stars; one submission).

gnomAD v4.1: 1 of 1,613,864 alleles (0.000062%); highest among the groups gnomAD compares: Non-Finnish European, 0.000085%; no homozygotes.

Submission:

Labcorp Genetics (formerly Invitae), Labcorp
Classification: Uncertain significance. Last evaluated: 2024-03-03. Review status: criteria provided, single submitter. Criteria: Invitae Variant Classification Sherloc (09022015). Collection method: clinical testing. Allele origin: germline.
Comment: This sequence change replaces alanine, which is neutral and non-polar, with proline, which is neutral and non-polar, at codon 222 of the POLD2 protein (p.Ala222Pro). This variant is present in population databases (no rsID available, gnomAD 0.0009%). This variant has not been reported in the literature in individuals affected with POLD2-related conditions. Algorithms developed to predict the effect of missense changes on protein structure and function output the following: SIFT: "Not Available"; PolyPhen-2: "Not Available"; Align-GVGD: "Not Available". The proline amino acid residue is found in multiple mammalian species, which suggests that this missense change does not adversely affect protein function. In summary, the available evidence is currently insufficient to determine the role of this variant in disease. Therefore, it has been classified as a Variant of Uncertain Significance.

NM_006230.4(POLD2):c.559G>C (p.Ala187Pro)

Gene: POLD2 (DNA polymerase delta 2, accessory subunit; minus strand). Cytogenetic location: 7p13.
Variant type: single nucleotide variant.
Coding change: c.559G>C on transcript NM_006230.4 (MANE Select); coding-DNA position 559, G replaced by C.
Protein change: p.Ala187Pro; replaces alanine 187 with proline.
Molecular consequence: missense variant.
Genome position (GRCh38, 1-based): chr7:44,117,155, C>G on the plus strand (G>C on the coding strand, the complement: POLD2 is on the minus strand). VCF-style: chr7-44117155-C-G. GRCh37 (hg19) VCF-style: chr7-44156754-C-G.
Other names: c.559G>C, p.Ala187Pro (NM_001127218.3, NM_001256879.2); short protein forms A187P.
Identifiers: ClinVar variation 3644387 (VCV003644387.2).